The following is an entry in ClinVar:

NM_018670.4(MESP1):c.520A>G (p.Met174Val)

Genes: MESP1 (mesoderm posterior bHLH transcription factor 1; minus strand), LOC130057888 (ATAC-STARR-seq lymphoblastoid silent region 6803; plus strand). Cytogenetic location: 15q26.1.
Variant type: single nucleotide variant.
Coding change: c.520A>G on transcript NM_018670.4 (MANE Select); coding-DNA position 520, A replaced by G.
Protein change: p.Met174Val; replaces methionine 174 with valine.
Molecular consequence: missense variant.
Genome position (GRCh38, 1-based): chr15:89,750,712, T>C on the plus strand (A>G on the coding strand, the complement: MESP1 is on the minus strand). VCF-style: chr15-89750712-T-C. GRCh37 (hg19) VCF-style: chr15-90293943-T-C.
Other names: c.520A>G (NM_018670.3); short protein forms M174V.
Identifiers: ClinVar variation 1537845 (VCV001537845.12), dbSNP rs201582061, ClinGen allele CA7730183.

ClinVar aggregate classification (germline): Benign. Review status: criteria provided, multiple submitters, no conflicts (2 of 4 stars). 3 submissions from 3 submitters: Benign (2). 1 of the submissions does not count toward it. Last evaluated 2025-12-29.

Conditions:
MESP1-related disorder. Also called: MESP1-related condition.

Allele frequency attached by ClinVar (database versions not stated): gnomAD exomes 0.00280; ESP Exome Variant Server 0.00697; 1000 Genomes Project 30x 0.01015; 1000 Genomes Project 0.01058; gnomAD 0.01188 and 0.01293; TOPMed 0.01291; ExAC 0.01478.

Submissions (6):

Labcorp Genetics (formerly Invitae), Labcorp
Classification: Benign. Last evaluated: 2025-12-29. Review status: criteria provided, single submitter. Criteria: Invitae Variant Classification Sherloc (09022015). Collection method: clinical testing. Allele origin: germline.

Breakthrough Genomics
Classification: Benign. Review status: criteria provided, single submitter. Criteria: ACMG Guidelines, 2015. Collection method: not provided. Allele origin: germline. Inheritance: Unknown mechanism. Affected: yes.

PreventionGenetics, part of Exact Sciences
Classification: Benign for MESP1-related condition. Last evaluated: 2019-02-19. Review status: no assertion criteria provided. Collection method: clinical testing. Allele origin: germline. Not counted in ClinVar's aggregate classification.
Comment: This variant is classified as benign based on ACMG/AMP sequence variant interpretation guidelines (Richards et al. 2015 PMID: 25741868, with internal and published modifications).

Dr. Peter K. Rogan Lab, Western University
No classification provided (evidence only). Condition: Clear cell carcinoma of kidney. Review status: no classification provided. Collection method: in vitro. Allele origin: not applicable. Functional consequence: retained intron. Not counted in ClinVar's aggregate classification.

Dr. Peter K. Rogan Lab, Western University
No classification provided (evidence only). Condition: Familial cancer of breast. Review status: no classification provided. Collection method: in vitro. Allele origin: not applicable. Functional consequence: retained intron. Not counted in ClinVar's aggregate classification.

Dr. Peter K. Rogan Lab, Western University
No classification provided (evidence only). Condition: Uterine corpus endometrial carcinoma. Review status: no classification provided. Collection method: in vitro. Allele origin: not applicable. Functional consequence: retained intron. Not counted in ClinVar's aggregate classification.